The following is an entry in ClinVar:

NM_024996.7(GFM1):c.1114del (p.Arg372fs)

Gene: GFM1 (G elongation factor mitochondrial 1; plus strand). Cytogenetic location: 3q25.32.
Variant type: Deletion.
Coding change: c.1114del on transcript NM_024996.7 (MANE Select); coding-DNA position 1114, one base deleted (C; older notation c.1114delC).
Protein change: p.Arg372fs; shifts the reading frame from arginine 372.
Molecular consequence: frameshift variant. On other transcripts: non-coding transcript variant (4), intron variant (1).
Genome position (GRCh38, 1-based): chr3:158,658,952, C deleted. VCF-style (leftmost placement, unchanged base first): chr3-158658951-TC-T. GRCh37 (hg19) VCF-style: chr3-158376740-TC-T.
Other names: c.1171del, p.Arg391fs (NM_001308164.2); c.1114del, p.Arg372fs (NM_001308166.2); c.997del, p.Arg333fs (NM_001374356.1); c.889del, p.Arg297fs (NM_001374357.1); c.655del, p.Arg219fs (NM_001374358.1); c.547del, p.Arg183fs (NM_001374359.1, NM_001374360.1); c.430del, p.Arg144fs (NM_001374361.1); c.1141-1922del (NM_001374355.1); short protein forms R144fs, R183fs, R219fs, R297fs, R333fs, R372fs, R391fs.
Identifiers: ClinVar variation 4816178 (VCV004816178.1).
Genomic context (GRCh38, chr3:158,658,951, plus strand): 5'-CTTCCTGCCCTTACCCAATCTTGACTTCTAGGTAGGTCGATTTGGACAATTAACTTATGT[TC>T]GCAGTTATCAGGGAGAGCTAAAGAAGGGTGACACCATCTATAACACAAGGACAAGAAAGA-3'

ClinVar aggregate classification (germline): Likely pathogenic (1 of 4 stars; one submission).

Conditions:
Hepatoencephalopathy due to combined oxidative phosphorylation defect type 1. Also called: HEPATOENCEPHALOPATHY, EARLY FATAL PROGRESSIVE. Identifiers: Orphanet 137681, MedGen C1836797, MONDO:0012191, OMIM 609060.

Submission:

Natera, Inc.
Classification: Likely pathogenic for Combined oxidative phosphorylation deficiency 1. Last evaluated: 2024-07-11. Review status: criteria provided, single submitter. Criteria: Natera Variant Classification Schema (03/2026). Collection method: clinical testing. Allele origin: germline.
Comment: The c.1114del variant in GFM1 is a frameshift variant predicted to shift the reading frame beginning at codon 372 and leads to a stop codon 7 codons downstream. This variant is expected to result in nonsense mediated decay, truncation, or a dysfunctional protein product. This variant is rare in the general population with a frequency below the threshold expected for the associated phenotype(s). Given the available evidence, this variant is classified as Likely Pathogenic.